The following is an entry in ClinVar:

NM_002016.2(FLG):c.511G>T (p.Glu171Ter)

Genes: CCDST (cervical cancer associated DHX9 suppressive transcript; plus strand), FLG (filaggrin; minus strand). Cytogenetic location: 1q21.3.
Variant type: single nucleotide variant.
Coding change: c.511G>T on transcript NM_002016.2 (MANE Select); coding-DNA position 511, G replaced by T.
Protein change: p.Glu171Ter; replaces glutamic acid 171 with a stop codon.
Molecular consequence: nonsense.
Genome position (GRCh38, 1-based): chr1:152,314,375, C>A on the plus strand (G>T on the coding strand, the complement: FLG is on the minus strand). VCF-style: chr1-152314375-C-A. GRCh37 (hg19) VCF-style: chr1-152286851-C-A.
Other names: short protein forms E171*.
Identifiers: ClinVar variation 3382123 (VCV003382123.2).

ClinVar aggregate classification (germline): Likely pathogenic (1 of 4 stars; one submission).

Conditions:
Dermatitis, atopic, 2. Identifiers: MedGen C1853965, MONDO:0011596, OMIM 605803.
Ichthyosis vulgaris. Also called: Dominant ichthyosis vulgaris; ICHTHYOSIS SIMPLEX. Identifiers: MedGen C0079584, MONDO:0024304, OMIM 146700.

Submission:

Juno Genomics, Hangzhou Juno Genomics, Inc
Classification: Likely pathogenic for Ichthyosis vulgaris; Dermatitis, atopic, 2. Review status: criteria provided, single submitter. Criteria: ACMG Guidelines, 2015. Collection method: clinical testing. Allele origin: germline. Affected: yes.
Comment: Null variant in a gene where loss of function (LOF) is a known mechanism of disease.;Absent from controls (or at extremely low frequency if recessive) in Genome Aggregation Database, Exome Sequencing Project, 1000 Genomes Project, or Exome Aggregation Consortium.;Patient's phenotype or family history is highly specific for a disease with a single genetic etiology.